The following is an entry in ClinVar:

ClinVar aggregate classification (germline): Conflicting classifications of pathogenicity. Review status: criteria provided, conflicting classifications (1 of 4 stars). 13 submissions from 9 submitters: Uncertain significance (11); Benign (1); Likely benign (1). Last evaluated 2023-05-15.

Conditions:
Cardiovascular phenotype. Identifiers: MedGen CN230736.
Autosomal recessive limb-girdle muscular dystrophy type 2J (LGMDR10). Also called: MUSCULAR DYSTROPHY, LIMB-GIRDLE, AUTOSOMAL RECESSIVE 10; Limb-girdle muscular dystrophy, type 2J. Identifiers: Orphanet 140922, MedGen C1837342, MONDO:0012127, OMIM 608807.
Dilated cardiomyopathy 1G (CMD1G). Identifiers: Orphanet 154, MedGen C1858763, MONDO:0011400, OMIM 604145.
Cardiomyopathy (CMYO). Also called: Cardiomyopathies. Identifiers: Orphanet 167848, MedGen C0878544, MONDO:0004994, HP:0001638. Inheritance: Various modes of inheritance.
Early-onset myopathy with fatal cardiomyopathy (CMYO5). Also called: CONGENITAL MYOPATHY 5 WITH CARDIOMYOPATHY; Salih Myopathy. Identifiers: Orphanet 289377, MedGen C2673677, MONDO:0012714, OMIM 611705. Disease mechanism: loss of function.
Myopathy, myofibrillar, 9, with early respiratory failure (MFM9). Also called: Myopathy, distal, with early respiratory failure, autosomal dominant; EDSTROM MYOPATHY; MYOPATHY, PROXIMAL, WITH EARLY RESPIRATORY MUSCLE INVOLVEMENT; Hereditary myopathy with early respiratory failure. Identifiers: Orphanet 178464, Orphanet 34521, MedGen C1863599, MONDO:0011362, OMIM 603689.
Tibial muscular dystrophy (TMD). Also called: Tibial muscular dystrophy, tardive; Udd Distal Myopathy – Tibial Muscular Dystrophy; UDD MYOPATHY. Identifiers: Orphanet 609, MedGen C1838244, MONDO:0010870, OMIM 600334.

Allele frequency attached by ClinVar (database versions not stated): gnomAD 0.00005 and 0.00007; gnomAD exomes 0.00005 and 0.00008; ExAC 0.00006; TOPMed 0.00008; 1000 Genomes Project 30x 0.00016; 1000 Genomes Project 0.00020.
gnomAD v4.1: 86 of 1,612,586 alleles (0.0053%); highest among the groups gnomAD compares: East Asian, 0.063%; no homozygotes.

Submissions (13):

Women's Health and Genetics/Laboratory Corporation of America, LabCorp
Classification: Uncertain significance. Last evaluated: 2023-05-15. Review status: criteria provided, single submitter. Criteria: LabCorp Variant Classification Summary - May 2015. Collection method: clinical testing. Allele origin: germline.
Comment: Variant summary: TTN c.53585G>A (p.Cys17862Tyr) results in a non-conservative amino acid change located in the A-band region of the encoded protein sequence. Three of four in-silico tools predict a damaging effect of the variant on protein function. The variant allele was found at a frequency of 8.1e-05 in 247286 control chromosomes, predominantly at a frequency of 0.00056 within the East Asian subpopulation in the gnomAD database. The observed variant frequency within East Asian control individuals in the gnomAD database is approximately equal to the estimated maximal expected allele frequency for a pathogenic variant in TTN causing Dilated Cardiomyopathy phenotype (0.00039), suggesting that the variant may be a benign polymorphism found primarily in populations of East Asian origin. These reports do not provide unequivocal conclusions about association of the variant with Dilated Cardiomyopathy. To our knowledge, no experimental evidence demonstrating an impact on protein function has been reported. The following publications have been ascertained in the context of this evaluation (PMID: 30993396, 28202948). Five clinical diagnostic laboratories have submitted clinical-significance assessments for this variant to ClinVar after 2014 and classified the variant as VUS (n=4) or likely benign (n=1). Based on the evidence outlined above, the variant was classified as VUS-possibly benign.

Mayo Clinic Laboratories, Mayo Clinic
Classification: Uncertain significance. Last evaluated: 2022-11-01. Review status: criteria provided, single submitter. Criteria: ACMG Guidelines, 2015. Collection method: clinical testing. Allele origin: germline. Observed: 1 variant allele.
Comment: BS1

CHEO Genetics Diagnostic Laboratory, Children's Hospital of Eastern Ontario
Classification: Benign for Cardiomyopathy. Last evaluated: 2022-10-03. Review status: criteria provided, single submitter. Criteria: ACMG Guidelines, 2015. Collection method: clinical testing. Allele origin: germline.

GeneDx
Classification: Likely benign. Last evaluated: 2019-05-23. Review status: criteria provided, single submitter. Criteria: GeneDx Variant Classification Process June 2021. Collection method: clinical testing. Allele origin: germline. Affected: yes.
Comment: This variant is associated with the following publications: (PMID: 30993396)

Ambry Genetics
Classification: Uncertain significance for Cardiovascular phenotype. Last evaluated: 2019-03-11. Review status: criteria provided, single submitter. Criteria: Ambry Variant Classification Scheme 2023. Collection method: clinical testing. Allele origin: germline.
Comment: The p.C11365Y variant (also known as c.34094G>A), located in coding exon 131 of the TTN gene, results from a G to A substitution at nucleotide position 34094. The cysteine at codon 11365 is replaced by tyrosine, an amino acid with highly dissimilar properties. This amino acid position is highly conserved in available vertebrate species. In addition, the in silico prediction for this alteration is inconclusive. Since supporting evidence is limited at this time, the clinical significance of this alteration remains unclear.

Illumina Laboratory Services, Illumina
Classification: Uncertain significance for Tibial muscular dystrophy. Last evaluated: 2018-01-15. Review status: criteria provided, single submitter. Criteria: ICSL Variant Classification Criteria 13 December 2019. Collection method: clinical testing. Allele origin: germline.

Illumina Laboratory Services, Illumina
Classification: Uncertain significance for Myopathy, myofibrillar, 9, with early respiratory failure. Last evaluated: 2018-01-15. Review status: criteria provided, single submitter. Criteria: ICSL Variant Classification Criteria 13 December 2019. Collection method: clinical testing. Allele origin: germline.

Illumina Laboratory Services, Illumina
Classification: Uncertain significance for Early-onset myopathy with fatal cardiomyopathy. Last evaluated: 2018-01-15. Review status: criteria provided, single submitter. Criteria: ICSL Variant Classification Criteria 13 December 2019. Collection method: clinical testing. Allele origin: germline.

Illumina Laboratory Services, Illumina
Classification: Uncertain significance for Dilated cardiomyopathy 1G. Last evaluated: 2018-01-15. Review status: criteria provided, single submitter. Criteria: ICSL Variant Classification Criteria 13 December 2019. Collection method: clinical testing. Allele origin: germline.

Illumina Laboratory Services, Illumina
Classification: Uncertain significance for Autosomal recessive limb-girdle muscular dystrophy type 2J. Last evaluated: 2018-01-15. Review status: criteria provided, single submitter. Criteria: ICSL Variant Classification Criteria 13 December 2019. Collection method: clinical testing. Allele origin: germline.

Athena Diagnostics
Classification: Uncertain significance. Last evaluated: 2018-01-03. Review status: criteria provided, single submitter. Criteria: Athena Diagnostics Criteria. Collection method: clinical testing. Allele origin: germline.

Labcorp Genetics (formerly Invitae), Labcorp
Classification: Uncertain significance for Dilated cardiomyopathy 1G; Autosomal recessive limb-girdle muscular dystrophy type 2J. Last evaluated: 2017-11-17. Review status: criteria provided, single submitter. Criteria: Invitae Variant Classification Sherloc (09022015). Collection method: clinical testing. Allele origin: germline.

Laboratory for Molecular Medicine, Mass General Brigham Personalized Medicine
Classification: Uncertain significance. Last evaluated: 2013-10-21. Review status: criteria provided, single submitter. Criteria: LMM Criteria. Collection method: clinical testing. Allele origin: germline. Observed: 1 variant allele.
Comment: The Cys17862Tyr variant in TTN has not been reported in individuals with cardiom yopathy. Computational analyses (biochemical amino acid properties, conservation , AlignGVGD, PolyPhen2, and SIFT) suggest that this variant may impact the prote in, though this information is not predictive enough to determine pathogenicity. Additional information is needed to fully assess the clinical significance of t his variant.

Literature cited by the submitters: PubMed 30993396 (cited by Women's Health and Genetics/Laboratory Corporation of America, LabCorp); PubMed 28202948 (cited by Women's Health and Genetics/Laboratory Corporation of America, LabCorp).

NM_001267550.2(TTN):c.61289G>A (p.Cys20430Tyr)

Genes: TTN-AS1 (TTN antisense RNA 1; plus strand), TTN (titin; minus strand). Cytogenetic location: 2q31.2.
Variant type: single nucleotide variant.
Coding change: c.61289G>A on transcript NM_001267550.2 (MANE Select); coding-DNA position 61289, G replaced by A.
Protein change: p.Cys20430Tyr; replaces cysteine 20430 with tyrosine.
Molecular consequence: missense variant.
Genome position (GRCh38, 1-based): chr2:178,590,436, C>T on the plus strand (G>A on the coding strand, the complement: TTN is on the minus strand). VCF-style: chr2-178590436-C-T. GRCh37 (hg19) VCF-style: chr2-179455163-C-T.
Other names: p.Cys18789Tyr; c.53585G>A, p.Cys17862Tyr (NM_133378.4); c.56366G>A, p.Cys18789Tyr (NM_001256850.1); c.34094G>A, p.Cys11365Tyr (NM_003319.4); c.34469G>A, p.Cys11490Tyr (NM_133432.3); c.34670G>A, p.Cys11557Tyr (NM_133437.4); short protein forms C17862Y, C20430Y, C11365Y, C11490Y, C18789Y, C11557Y.
Identifiers: ClinVar variation 165922 (VCV000165922.20), dbSNP rs527704660, ClinGen allele CA178640.